The following is an entry in ClinVar:

NM_000500.9(CYP21A2):c.[710T>A;713T>A]

Variant type: Haplotype.
Identifiers: ClinVar variation 1723345 (VCV001723345.1).

ClinVar aggregate classification (germline): Pathogenic (1 of 4 stars; one submission).

Conditions:
Congenital adrenal hyperplasia. Identifiers: Orphanet 418, MedGen C0001627, MONDO:0018479, HP:0008258.

Submission:

Women's Health and Genetics/Laboratory Corporation of America, LabCorp
Classification: Pathogenic for Congenital adrenal hyperplasia. Last evaluated: 2022-10-19. Review status: criteria provided, single submitter. Criteria: LabCorp Variant Classification Summary - May 2015. Collection method: clinical testing. Allele origin: germline.
Comment: Variant summary: CYP21A2 c.[710T>A;713T>A] (p.[Ile237Asn;Val238Glu]) variant is a complex allele and involves the alteration of multiple nucleotides. The allele frequency of this complex variant is presumed to be 1.3e-05 in 150898 control chromosomes (gnomAD v3.1.2), based on the frequency of each individual allele. p.I237N and p.V238E are found to be part of a recurrent cluster of 3 variants (I237N, V238E and M240K), which belongs to a group of common, pseudogene-derived mutations that are found in patients with classical CAH. This cluster of 3 variants is assumed to be transferred together from the CYP21A1P pseudogene to CYP21A2 in a continuous stretch of DNA (Robins_2005), and has been reported in the literature in multiple individuals affected with Congenital Adrenal Hyperplasia (e.g. Higashi_1991, Barbat_1995, Chang_2011, Kirac_2014, Essawi_2020, Wang_2021). Nevertheless, p.[I237N;V238E] has also been reported in the literature to occur on its own in individuals affected with Congenital Adrenal Hyperplasia (e.g. Lee_2006, Chang_2011, Kirac_2014). These data indicate that the variant is very likely to be associated with disease. Experimental evidence evaluating an impact on protein function demonstrated that the p.I237N variant alone causes a severely reduced enzyme function, while the p.V238E variant alone abolishes enzyme function (Robins_2005). No clinical diagnostic laboratories have submitted clinical-significance assessments for this complex variant to ClinVar after 2014. Based on the evidence outlined above, the variant was classified as pathogenic.

Literature cited by the submitters: PubMed 7749410; PubMed 15623806; PubMed 2249999; PubMed 1869518; PubMed 16430727; PubMed 33864926; PubMed 21117955; PubMed 32614782; PubMed 25227725.